The following is an entry in ClinVar:

NM_004655.4(AXIN2):c.2271C>T (p.His757=)

Gene: AXIN2 (axin 2; minus strand). Cytogenetic location: 17q24.1.
Variant type: single nucleotide variant.
Coding change: c.2271C>T on transcript NM_004655.4 (MANE Select); coding-DNA position 2271, C replaced by T.
Protein change: p.His757=; no amino-acid change (histidine 757 retained).
Molecular consequence: synonymous variant.
Genome position (GRCh38, 1-based): chr17:65,534,046, G>A on the plus strand (C>T on the coding strand, the complement: AXIN2 is on the minus strand). VCF-style: chr17-65534046-G-A. GRCh37 (hg19) VCF-style: chr17-63530164-G-A.
Other names: c.2271C>T (LRG_296t1); c.2076C>T, p.His692= (NM_001363813.1).
Identifiers: ClinVar variation 464603 (VCV000464603.40), dbSNP rs772041910, ClinGen allele CA8718332.

ClinVar aggregate classification (germline): Benign/Likely benign. Review status: criteria provided, multiple submitters, no conflicts (2 of 4 stars). 5 submissions from 5 submitters: Benign (1); Likely benign (4). Last evaluated 2026-01-28.

Conditions:
Hereditary cancer-predisposing syndrome. Also called: Hereditary neoplastic syndrome; Neoplastic Syndromes, Hereditary; Hereditary Cancer Syndrome; Tumor predisposition. Identifiers: Orphanet 140162, MedGen C0027672, MeSH D009386, MONDO:0015356.
Oligodontia-cancer predisposition syndrome. Also called: TOOTH AGENESIS-COLORECTAL CANCER SYNDROME. Identifiers: Orphanet 300576, MedGen C1837750, MONDO:0012075, OMIM 608615. Disease mechanism: loss of function.

Allele frequency attached by ClinVar (database versions not stated): gnomAD 0.00001; gnomAD exomes 0.00001 and 0.00002; TOPMed 0.00001; ExAC 0.00003.
gnomAD v4.1: 18 of 1,614,114 alleles (0.0011%); highest among the groups gnomAD compares: Middle Eastern, 0.033%; no homozygotes.

Submissions (5):

Labcorp Genetics (formerly Invitae), Labcorp
Classification: Likely benign for Oligodontia-cancer predisposition syndrome. Last evaluated: 2026-01-28. Review status: criteria provided, single submitter. Criteria: Invitae Variant Classification Sherloc (09022015). Collection method: clinical testing. Allele origin: germline.

Center for Genomic Medicine, Rigshospitalet, Copenhagen University Hospital
Classification: Likely benign. Last evaluated: 2025-12-29. Review status: criteria provided, single submitter. Criteria: ACMG Guidelines, 2015. Collection method: clinical testing. Allele origin: germline.

Myriad Genetics, Inc.
Classification: Benign for Oligodontia-cancer predisposition syndrome. Last evaluated: 2024-07-10. Review status: criteria provided, single submitter. Criteria: Myriad Autosomal Dominant, Autosomal Recessive and X-Linked Classification Criteria (2023). Collection method: clinical testing. Allele origin: unknown.
Comment: This variant is considered benign. This variant is a silent/synonymous amino acid change and it is not expected to impact splicing.

CeGaT Center for Human Genetics Tuebingen
Classification: Likely benign. Last evaluated: 2024-05-01. Review status: criteria provided, single submitter. Criteria: CeGaT Center For Human Genetics Tuebingen Variant Classification Criteria Version 2. Collection method: clinical testing. Allele origin: germline. Affected: yes. Observed: 3 variant alleles.
Comment: AXIN2: BP4, BP7

Ambry Genetics
Classification: Likely benign for Hereditary cancer-predisposing syndrome. Last evaluated: 2021-09-14. Review status: criteria provided, single submitter. Criteria: Ambry Variant Classification Scheme 2023. Collection method: clinical testing. Allele origin: germline.